The following is an entry in ClinVar:

ClinVar aggregate classification (germline): Conflicting classifications of pathogenicity. Review status: criteria provided, conflicting classifications (1 of 4 stars). 5 submissions from 5 submitters: Uncertain significance (4); Likely benign (1). Last evaluated 2026-03-09.

Conditions:
MYO15A-related disorder. Also called: MYO15A-related condition.
Inborn genetic diseases. Identifiers: MedGen C0950123, MeSH D030342.

Allele frequency attached by ClinVar (database versions not stated): gnomAD 0.00014 and 0.00015; 1000 Genomes Project 30x 0.00016; ESP Exome Variant Server 0.00016; gnomAD exomes 0.00018 and 0.00030; 1000 Genomes Project 0.00020; ExAC 0.00028; TOPMed 0.00036.
gnomAD v4.1: 303 of 1,614,194 alleles (0.019%); highest among the groups gnomAD compares: Middle Eastern, 0.099%; no homozygotes.

Submissions (5):

PreventionGenetics, part of Exact Sciences
Classification: Uncertain significance for MYO15A-related condition. Last evaluated: 2026-03-09. Review status: criteria provided, single submitter. Criteria: ACMG Guidelines, 2015. Collection method: clinical testing. Allele origin: germline.
Comment: The MYO15A c.4424T>C variant is predicted to result in the amino acid substitution p.Ile1475Thr. To our knowledge, this variant has not been reported in the literature. This variant is reported in 0.087% of alleles in individuals of Ashkenazi Jewish descent in gnomAD. Although we suspect that this variant may be benign, at this time, the clinical significance of this variant is uncertain due to the absence of conclusive functional and genetic evidence.

Labcorp Genetics (formerly Invitae), Labcorp
Classification: Likely benign. Last evaluated: 2026-01-12. Review status: criteria provided, single submitter. Criteria: Invitae Variant Classification Sherloc (09022015). Collection method: clinical testing. Allele origin: germline.

GeneDx
Classification: Uncertain significance. Last evaluated: 2025-11-25. Review status: criteria provided, single submitter. Criteria: GeneDx Variant Classification Process June 2021. Collection method: clinical testing. Allele origin: germline.
Comment: In silico analysis supports that this missense variant has a deleterious effect on protein structure/function; Has not been previously published as pathogenic or benign to our knowledge

Ambry Genetics
Classification: Uncertain significance for Inborn genetic diseases. Last evaluated: 2024-06-04. Review status: criteria provided, single submitter. Criteria: Ambry Variant Classification Scheme 2023. Collection method: clinical testing. Allele origin: germline.

Laboratory for Molecular Medicine, Mass General Brigham Personalized Medicine
Classification: Uncertain significance. Last evaluated: 2018-05-18. Review status: criteria provided, single submitter. Criteria: LMM Criteria. Collection method: clinical testing. Allele origin: germline. Observed: 2 variant alleles.
Comment: Variant classified as Uncertain Significance - Favor Benign. This variant has a lso been reported in ClinVar (Variation ID 228953) and has been identified in 0. 12% (10/10150) of Ashkenazi Jewish chromosomes by the Genome Aggregation Databas e (gnomAD; dbSNP rs201808265). Although this v ariant has been seen in the general population, its frequency is not high enough to rule out a pathogenic role. Computational prediction tools and conservation analysis suggest that the p.Ile1475Thr variant may impact the protein, though th is information is not predictive enough to determine pathogenicity. In summary, while the clinical significance of the p.Ile1475Thr variant is uncertain, its fr equency suggests that it is more likely to be benign. ACMG/AMP criteria applied: PP3, BS1_Supporting.

NM_016239.4(MYO15A):c.4424T>C (p.Ile1475Thr)

Gene: MYO15A (myosin XVA; plus strand). Cytogenetic location: 17p11.2.
Variant type: single nucleotide variant.
Coding change: c.4424T>C on transcript NM_016239.4 (MANE Select); coding-DNA position 4424, T replaced by C.
Protein change: p.Ile1475Thr; replaces isoleucine 1475 with threonine.
Molecular consequence: missense variant.
Genome position (GRCh38, 1-based): chr17:18,133,328, T>C. VCF-style: chr17-18133328-T-C. GRCh37 (hg19) VCF-style: chr17-18036642-T-C.
Other names: short protein forms I1475T.
Identifiers: ClinVar variation 228953 (VCV000228953.16), dbSNP rs201808265, ClinGen allele CA8423874.
Genomic context (GRCh38, chr17:18,133,328, plus strand): 5'-TTCGCCGGCTCCTGGCTGCCATGGAGGTGTTGGGCTTCAGCAGTGAGGACCAGGACAGCA[T>C]CTTCCGCATCCTGGCCTCCATCCTGCACCTGGGCAACGTCTACTTTGAGAAGTATGAGGT-3'
Protein context (NP_057323.3, residues 1465-1485): LGFSSEDQDS[Ile1475Thr]FRILASILHL